The following is an entry in ClinVar:

NM_000152.5(GAA):c.1802C>G (p.Ser601Trp)

Gene: GAA (alpha glucosidase; plus strand). Cytogenetic location: 17q25.3.
Variant type: single nucleotide variant.
Coding change: c.1802C>G on transcript NM_000152.5 (MANE Select); coding-DNA position 1802, C replaced by G.
Protein change: p.Ser601Trp; replaces serine 601 with tryptophan.
Molecular consequence: missense variant.
Genome position (GRCh38, 1-based): chr17:80,112,625, C>G. VCF-style: chr17-80112625-C-G. GRCh37 (hg19) VCF-style: chr17-78086424-C-G.
Other names: c.1802C>G, p.Ser601Trp (NM_001079803.3, NM_001079804.3); short protein forms S601W.
Identifiers: ClinVar variation 501793 (VCV000501793.16), dbSNP rs374470794, ClinGen allele CA294896338.

ClinVar aggregate classification (germline): Likely pathogenic. Review status: reviewed by expert panel (3 of 4 stars). 8 submissions from 8 submitters: Likely pathogenic (1). 7 of the submissions do not count toward it. Last evaluated 2025-05-20.

Conditions:
Glycogen storage disease, type II (IOPD). Also called: Glycogen storage disease type 2; Acid maltase deficiency disease; Aglucosidase alfa; Deficiency of alpha-glucosidase; Deficiency of lysosomal alpha-glucosidase; CARDIOMEGALIA GLYCOGENICA DIFFUSA. Identifiers: Orphanet 365, MedGen C0017921, MONDO:0009290, OMIM 232300.

Submissions (8):

ClinGen Lysosomal Storage Disorder Variant Curation Expert Panel
Classification: Likely pathogenic for Glycogen storage disease, type II. Last evaluated: 2025-05-20. Review status: reviewed by expert panel. Criteria: clingen_lsd_acmg_specifications_v2-1. Collection method: curation. Allele origin: germline. Inheritance: Autosomal recessive inheritance.
Comment: The NM_000152.5:c.1802C>G variant in GAA is a missense variant predicted to cause substitution of serine serine by tryptophan at amino acid 601 (p.Ser601Trp). The highest population minor allele frequency in gnomAD v4.1.0 is 0.0000008475 (1/1179962 alleles) in the European, non-Finnish population, which is lower than the ClinGen Lysosomal Diseases VCEP’s threshold for PM2_Supporting (<0.001), meeting this criterion (PM2_supporting). The computational predictor REVEL gives a score of 0.964 which is above the threshold of 0.7, evidence that correlates with impact to GAA function (PP3). When expressed in COS-7 cells, the variant resulted in <2% wild type activity indicating that this variant may impact protein function (PMID: 19862843) (PS3_supporting). Another missense variant (c.1802C>T, p.Ser601Leu) in the same codon has been classified as pathogenic for Pompe disease by the ClinGen Lysosomal Diseases VCEP (ClinVar Variation ID: 194154; Accession: SCV002032130.1) (PM5). This variant has been detected in at least 11 individuals with Pompe disease. Of those individuals, 9 were compound heterozygous for the variant and the c.-32-13T>G variant (classified as pathogenic by the ClinGen LD VCEP). Zero individuals were homozygous for the variant. (PM3). At least 3 patients with this variant had documented GAA deficiency with <10% of normal mean control level of GAA activity in leukocytes, lymphocytes, or muscle samples (PMID: 17056254, 22958975, 24158270) and 2 patients were reported to be on enzyme replacement therapy for Pompe disease (PMID: 22081099, 29422078). This meets the criteria for PP4_moderate. There is a ClinVar entry for this variant (Variation ID: 501793). In summary, this variant meets the criteria to be classified as Likely Pathogenic for Pompe disease. GAA-specific ACMG/AMP criteria met, based on the specifications of the ClinGen Lysosomal Diseases VCEP (Specifications Version 2.0): PP4_moderate, PM3, PM5, PP3, PM2_supporting, PS3_supporting. (Classification approved by the ClinGen Lysosomal Diseases Variant Curation Expert Panel on May 20, 2025)

Genomenon, Inc
Classification: Likely pathogenic for Glycogen storage disease, type II. Last evaluated: 2026-07-01. Review status: criteria provided, single submitter. Criteria: Genomenon Sequence Variant Interpretation Standards - Updated. Collection method: curation. Allele origin: germline. Affected: yes. Not counted in ClinVar's aggregate classification.
Comment: GAA p.Ser601Trp (c.1802C>G) is a missense variant that changes the amino acid at codon 601 from Serine to Tryptophan. This variant has been observed in at least one proband with a GAA-related disorder in the compound heterozygous and/or homozygous state (PMID:34734785;32711049;30312517;29422078;25396301;17056254;24158270;25673129;22081099). At least one functional study has demonstrated a substantial alteration in protein function relative to the wild-type (PMID:19862843). It is absent or not present at a significant frequency in gnomAD. In silico models predict that this variant is possibly or probably damaging. In conclusion, we classify GAA p.Ser601Trp (c.1802C>G) as a likely pathogenic variant.

Revvity Omics, Revvity
Classification: Pathogenic. Last evaluated: 2024-10-14. Review status: criteria provided, single submitter. Criteria: ACMG Guidelines, 2015. Collection method: clinical testing. Allele origin: germline. Not counted in ClinVar's aggregate classification.

Labcorp Genetics (formerly Invitae), Labcorp
Classification: Pathogenic for Glycogen storage disease, type II. Last evaluated: 2024-03-13. Review status: criteria provided, single submitter. Criteria: Invitae Variant Classification Sherloc (09022015). Collection method: clinical testing. Allele origin: germline. Not counted in ClinVar's aggregate classification.
Comment: This sequence change replaces serine, which is neutral and polar, with tryptophan, which is neutral and slightly polar, at codon 601 of the GAA protein (p.Ser601Trp). This variant is not present in population databases (gnomAD no frequency). This missense change has been observed in individual(s) with Pompe disease (PMID: 17056254, 24158270, 32711049). ClinVar contains an entry for this variant (Variation ID: 501793). Advanced modeling of protein sequence and biophysical properties (such as structural, functional, and spatial information, amino acid conservation, physicochemical variation, residue mobility, and thermodynamic stability) performed at Invitae indicates that this missense variant is expected to disrupt GAA protein function with a positive predictive value of 95%. This variant disrupts the p.Ser601 amino acid residue in GAA. Other variant(s) that disrupt this residue have been determined to be pathogenic (PMID: 22252923, 22644586, 28394184). This suggests that this residue is clinically significant, and that variants that disrupt this residue are likely to be disease-causing. For these reasons, this variant has been classified as Pathogenic.

Baylor Genetics
Classification: Pathogenic for Glycogen storage disease, type II. Last evaluated: 2024-03-08. Review status: criteria provided, single submitter. Criteria: ACMG Guidelines, 2015. Collection method: clinical testing. Allele origin: unknown. Not counted in ClinVar's aggregate classification.

Women's Health and Genetics/Laboratory Corporation of America, LabCorp
Classification: Likely pathogenic for Glycogen storage disease, type II. Last evaluated: 2020-05-01. Review status: criteria provided, single submitter. Criteria: LabCorp Variant Classification Summary - May 2015. Collection method: clinical testing. Allele origin: germline. Not counted in ClinVar's aggregate classification.
Comment: Variant summary: GAA c.1802C>G (p.Ser601Trp) results in a non-conservative amino acid change in the encoded protein sequence. Five of five in-silico tools predict a damaging effect of the variant on protein function. The variant was absent in 248082 control chromosomes (gnomAD). c.1802C>G has been reported in the literature in individuals (in compound heterozygous state) affected with Glycogen Storage Disease, Type 2 (Pompe Disease) (Angelini_2012, Palmer_2007, DeFilippi_2014, Parini_2018). These data indicate that the variant is likely to be associated with disease. Most of the patients from these reports had late onset phenotype of the disease. In in vitro functional studies, the variant was found to have reduced enzymatic activity (Flanagan_2009). One ClinVar submitter (evaluation after 2014) cite the variant as likely pathogenic. Based on the evidence outlined above, the variant was classified as likely pathogenic.

Broad Center for Mendelian Genomics, Broad Institute of MIT and Harvard
Classification: Likely pathogenic for Glycogen storage disease, type II. Last evaluated: 2020-01-22. Review status: criteria provided, single submitter. Criteria: ACMG Guidelines, 2015. Collection method: curation. Allele origin: germline. Inheritance: Autosomal recessive inheritance. Not counted in ClinVar's aggregate classification.
Comment: This variant was absent from large population studies. Computational prediction tools and conservation analyses suggest that this variant may impact the protein, though this information is not predictive enough to determine pathogenicity. One additional likely pathogenic variant has been reported at the the same position, p.Ser601Leu, slightly supporting that a change at this position may not be tolerated (Variation ID: 194154; PMID: 30023291, 22676651, 22644586). The presence of this variant in combination with a pathogenic variant curated by our study and in an individual with Glycogen Storage Disease II increases the likelihood that the p.Ser601Trp variant is pathogenic (PMID: 17056254). The phenotype of the individual with this variant is highly specific for Glycogen Storage Disease II based on abnormally low GAA activity detected in lymphocytes (PMID: 17056254). In summary, although additional studies are required to fully establish its clinical significance, this variant is likely pathogenic. ACMG/AMP Criteria applied: PM2, PM5_Supporting, PP3, PM3_Supporting, PP4 (Richards 2015).

Eurofins Ntd Llc (ga)
Classification: Likely pathogenic. Last evaluated: 2017-05-10. Review status: criteria provided, single submitter. Criteria: EGL Classification Definitions 2015. Collection method: clinical testing. Allele origin: germline. Observed: 1 variant allele, 1 heterozygote. Not counted in ClinVar's aggregate classification.

Literature cited by the submitters: PubMed 34734785 (cited by Genomenon, Inc); PubMed 32711049 (cited by Genomenon, Inc and Labcorp Genetics (formerly Invitae), Labcorp); PubMed 30312517 (cited by Genomenon, Inc); PubMed 29422078 (cited by Genomenon, Inc and Women's Health and Genetics/Laboratory Corporation of America, LabCorp); PubMed 25396301 (cited by Genomenon, Inc); PubMed 17056254 (cited by 4 submitters); PubMed 24158270 (cited by Genomenon, Inc and Labcorp Genetics (formerly Invitae), Labcorp); PubMed 25673129 (cited by Genomenon, Inc); PubMed 22081099 (cited by Genomenon, Inc and Women's Health and Genetics/Laboratory Corporation of America, LabCorp); PubMed 19862843 (cited by Genomenon, Inc and Women's Health and Genetics/Laboratory Corporation of America, LabCorp); PubMed 22252923 (cited by Labcorp Genetics (formerly Invitae), Labcorp); PubMed 22644586 (cited by Labcorp Genetics (formerly Invitae), Labcorp); PubMed 28394184 (cited by Labcorp Genetics (formerly Invitae), Labcorp); PubMed 22958975 (cited by Women's Health and Genetics/Laboratory Corporation of America, LabCorp); PubMed 29061980 (cited by Women's Health and Genetics/Laboratory Corporation of America, LabCorp); PubMed 25103075 (cited by Women's Health and Genetics/Laboratory Corporation of America, LabCorp).